The following is an entry in ClinVar:

NM_025145.7(CFAP43):c.421T>A (p.Trp141Arg)

Gene: CFAP43 (cilia and flagella associated protein 43; minus strand). Cytogenetic location: 10q25.1.
Variant type: single nucleotide variant.
Coding change: c.421T>A on transcript NM_025145.7 (MANE Select); coding-DNA position 421, T replaced by A.
Protein change: p.Trp141Arg; replaces tryptophan 141 with arginine.
Molecular consequence: missense variant.
Genome position (GRCh38, 1-based): chr10:104,214,422, A>T on the plus strand (T>A on the coding strand, the complement: CFAP43 is on the minus strand). VCF-style: chr10-104214422-A-T. GRCh37 (hg19) VCF-style: chr10-105974180-A-T.
Other names: p.(Trp141Arg); short protein forms W141R.
Identifiers: ClinVar variation 3778881 (VCV003778881.1), dbSNP rs367559937.

ClinVar aggregate classification (germline): Uncertain significance (1 of 4 stars; one submission).

Conditions:
Spermatogenic failure 19. Identifiers: MedGen C4539818, MONDO:0054723, OMIM 617592.

gnomAD v4.1: 3 of 1,569,036 alleles (0.00019%); highest among the groups gnomAD compares: Non-Finnish European, 0.00026%; no homozygotes.

Submission:

Department of Molecular Genetics, Istishari Arab Hospital
Classification: Uncertain significance for Spermatogenic failure 19. Last evaluated: 2025-04-19. Review status: criteria provided, single submitter. Criteria: ACMG Guidelines, 2015. Collection method: clinical testing. Allele origin: inherited. Inheritance: Autosomal recessive inheritance. Affected: yes.
Comment: The CFAP43 c.421T>A is a missense variant that results in the substitution of a highly conserved tryptophan with arginine (p.(Trp141Arg)) within the WD repeat domain of the CFAP43 protein (PM1). It is extremely rare in the gnomAD v4.1.0 population database (allele count: 3 / total alleles: 1,569,036; allele frequency: 0.000001912) (PM2), and it is absent from 1,000 ancestry-matched healthy controls. To the best of our knowledge, this is a novel variant that has not been previously described in the literature. The variant is predicted to be deleterious by multiple in silico tools: PolyPhen-2 (probably damaging), SIFT (deleterious), and CADD (Phred score: 27.4) (PP3). It was identified in the homozygous state in two siblings affected with multiple morphological abnormalities of the sperm flagella (MMAF) and PCD-like features and was confirmed by Sanger sequencing (PP1_supporting). While the variant shows strong genotype-phenotype correlation and bioinformatic support, functional validation and broader segregation data are currently lacking. Based on ACMG/AMP guidelines, this variant is classified as a variant of uncertain significance (VUS), with a tendency toward pathogenicity: PM1, PM2, PP1_supporting, PP3.